The following is an entry in ClinVar:

ClinVar aggregate classification (germline): Uncertain significance (1 of 4 stars; one submission).

Allele frequency attached by ClinVar (database versions not stated): gnomAD 0.00001; TOPMed 0.00001; gnomAD exomes 0.00002.
gnomAD v4.1: 33 of 1,613,940 alleles (0.002%); highest among the groups gnomAD compares: Non-Finnish European, 0.0025%; no homozygotes.

Submission:

Labcorp Genetics (formerly Invitae), Labcorp
Classification: Uncertain significance. Last evaluated: 2024-01-02. Review status: criteria provided, single submitter. Criteria: Invitae Variant Classification Sherloc (09022015). Collection method: clinical testing. Allele origin: germline.
Comment: This sequence change replaces leucine, which is neutral and non-polar, with proline, which is neutral and non-polar, at codon 534 of the UNC45A protein (p.Leu534Pro). This variant is present in population databases (rs756396992, gnomAD 0.005%). This variant has not been reported in the literature in individuals affected with UNC45A-related conditions. ClinVar contains an entry for this variant (Variation ID: 1911505). Advanced modeling of protein sequence and biophysical properties (such as structural, functional, and spatial information, amino acid conservation, physicochemical variation, residue mobility, and thermodynamic stability) performed at Invitae indicates that this missense variant is expected to disrupt UNC45A protein function with a positive predictive value of 80%. In summary, the available evidence is currently insufficient to determine the role of this variant in disease. Therefore, it has been classified as a Variant of Uncertain Significance.

NM_018671.5(UNC45A):c.1601T>C (p.Leu534Pro)

Gene: UNC45A (unc-45 myosin chaperone A; plus strand). Cytogenetic location: 15q26.1.
Variant type: single nucleotide variant.
Coding change: c.1601T>C on transcript NM_018671.5 (MANE Select); coding-DNA position 1601, T replaced by C.
Protein change: p.Leu534Pro; replaces leucine 534 with proline.
Molecular consequence: missense variant.
Genome position (GRCh38, 1-based): chr15:90,948,147, T>C. VCF-style: chr15-90948147-T-C. GRCh37 (hg19) VCF-style: chr15-91491377-T-C.
Other names: c.1556T>C, p.Leu519Pro (NM_001039675.2, NM_001323621.2); c.1601T>C, p.Leu534Pro (NM_001323619.1); c.1166T>C, p.Leu389Pro (NM_001323620.2); short protein forms L389P, L519P, L534P.
Identifiers: ClinVar variation 1911505 (VCV001911505.4), dbSNP rs756396992, ClinGen allele CA274749491.